The following is an entry in ClinVar:

ClinVar aggregate classification (germline): Pathogenic/Likely pathogenic. Review status: criteria provided, multiple submitters, no conflicts (2 of 4 stars). 2 submissions from 2 submitters: Pathogenic (1); Likely pathogenic (1). Last evaluated 2026-08-06.

Conditions:
Intellectual developmental disorder, autosomal recessive 68. Also called: MENTAL RETARDATION, AUTOSOMAL RECESSIVE 68. Identifiers: MedGen C4749033, MONDO:0032665, OMIM 618302.

Allele frequency attached by ClinVar (database versions not stated): gnomAD 0.00001; ExAC 0.00002; gnomAD exomes 0.00002.

Submissions (2):

OLLIN Analises Genomicas, OLLIN
Classification: Likely pathogenic for Intellectual developmental disorder, autosomal recessive 68. Last evaluated: 2026-08-06. Review status: criteria provided, single submitter. Criteria: ACMG Guidelines 2015 PMID 25741868. Collection method: clinical testing. Allele origin: germline.
Comment: This frameshift variant, located in exon 8 (of 17), has been reported in ClinVar (accession VCV001695522.2) and in gnomAD with an allele frequency of 0.00043%. However, to our knowledge, it has not been reported in the scientific literature. This variant causes a frameshift and introduces a premature stop codon, which is predicted to result in either a truncated protein or degradation of the mRNA via nonsense-mediated decay (NMD). According to the currently available evidence, this variant has been classified as likely pathogenic (PVS1, PM2_P).

GeneDx
Classification: Pathogenic. Last evaluated: 2026-07-21. Review status: criteria provided, single submitter. Criteria: GeneDx Variant Classification Process June 2021. Collection method: clinical testing. Allele origin: germline.
Comment: Frameshift variant predicted to result in protein truncation or nonsense mediated decay in a gene for which loss-of-function is a known mechanism of disease; This variant is associated with the following publications: (PMID: 40245862)

NM_001136035.4(TRMT1):c.884dup (p.Leu296fs)

Gene: TRMT1 (tRNA methyltransferase 1; minus strand). Cytogenetic location: 19p13.13.
Variant type: Duplication.
Coding change: c.884dup on transcript NM_001136035.4 (MANE Select); coding-DNA position 884, one base duplicated (T; older notation c.884dupT).
Protein change: p.Leu296fs; shifts the reading frame from leucine 296.
Molecular consequence: frameshift variant.
Genome position (GRCh38, 1-based): chr19:13,110,293, A duplicated on the plus strand (T on the coding strand, the reverse complement: TRMT1 is on the minus strand). VCF-style (leftmost placement, unchanged base first): chr19-13110292-G-GA. GRCh37 (hg19) VCF-style: chr19-13221106-G-GA.
Other names: c.884dup (NM_001136035.2); c.884dup, p.Leu296fs (NM_001142554.3, NM_001351760.2, NM_017722.5); c.776dup, p.Leu260fs (NM_001351761.2); c.101dup, p.Leu35fs (NM_001351762.2); short protein forms L260fs, L296fs, L35fs.
Identifiers: ClinVar variation 1695522 (VCV001695522.4), dbSNP rs781654974, ClinGen allele CA9237885.
Genomic context (GRCh38, chr19:13,110,292, plus strand): 5'-GCTGAGCAGCGGCACCACGAAGCGCTGGTAGCAGTTGGCGCGGAGGTCCAGGCTGTGCAG[G>GA]ACGATTCTCAGGGCCTGGGGGTGGGGGGTGGGTGTCAGCCTCCCCTCCACTATCCACCCA-3'